The following is an entry in ClinVar:

ClinVar aggregate classification (germline): Uncertain significance (1 of 4 stars; one submission).

Submission:

GeneDx
Classification: Uncertain significance. Last evaluated: 2022-01-07. Review status: criteria provided, single submitter. Criteria: GeneDx Variant Classification Process June 2021. Collection method: clinical testing. Allele origin: germline. Affected: yes.
Comment: Not observed at significant frequency in large population cohorts (gnomAD); In silico analysis supports that this missense variant does not alter protein structure/function; Has not been previously published as pathogenic or benign to our knowledge

NM_015443.4(KANSL1):c.1274A>G (p.Gln425Arg)

Gene: KANSL1 (KAT8 regulatory NSL complex subunit 1). Cytogenetic location: 17q21.31.
Variant type: single nucleotide variant.
Coding change: c.1274A>G on transcript NM_015443.4 (MANE Select); coding-DNA position 1274, A replaced by G.
Protein change: p.Gln425Arg; replaces glutamine 425 with arginine.
Molecular consequence: missense variant.
Genome position (GRCh38, 1-based): chr17:46,170,870, T>C on the plus strand (A>G on the coding strand, the complement: KANSL1 is on the minus strand). VCF-style: chr17-46170870-T-C. GRCh37 (hg19) VCF-style: chr17-44248236-T-C.
Other names: c.1274A>G, p.Gln425Arg (NM_001193465.2, NM_001193466.2, NM_001379198.1); short protein forms Q425R.
Identifiers: ClinVar variation 1695554 (VCV001695554.2), dbSNP rs2147730177, ClinGen allele CA399978524.